The following is an entry in ClinVar:

NM_174936.4(PCSK9):c.1807G>A (p.Ala603Thr)

Gene: PCSK9 (proprotein convertase subtilisin/kexin type 9; plus strand). Cytogenetic location: 1p32.3.
Variant type: single nucleotide variant.
Coding change: c.1807G>A on transcript NM_174936.4 (MANE Select); coding-DNA position 1807, G replaced by A.
Protein change: p.Ala603Thr; replaces alanine 603 with threonine.
Molecular consequence: missense variant.
Genome position (GRCh38, 1-based): chr1:55,061,500, G>A. VCF-style: chr1-55061500-G-A. GRCh37 (hg19) VCF-style: chr1-55527173-G-A.
Other names: c.1930G>A, p.Ala644Thr (NM_001407240.1); c.1849G>A, p.Ala617Thr (NM_001407241.1); c.1810G>A, p.Ala604Thr (NM_001407242.1); c.1750G>A, p.Ala584Thr (NM_001407243.1); c.1633G>A, p.Ala545Thr (NM_001407244.1); c.1615G>A, p.Ala539Thr (NM_001407245.1); c.1432G>A, p.Ala478Thr (NM_001407246.1); c.1306G>A, p.Ala436Thr (NM_001407247.1); short protein forms A603T, A436T, A545T, A584T, A617T, A478T, A539T, A604T.
Identifiers: ClinVar variation 1046553 (VCV001046553.14), dbSNP rs1245161747, ClinGen allele CA340480411.

ClinVar aggregate classification (germline): Uncertain significance. Review status: criteria provided, multiple submitters, no conflicts (2 of 4 stars). 5 submissions from 5 submitters: Uncertain significance (5). Last evaluated 2026-03-23.

Conditions:
Familial hypercholesterolemia. Also called: Familial hypercholesterolemias; Familial hypercholesterolaemia. Identifiers: MedGen C0020445, MONDO:0005439.
Cardiovascular phenotype. Identifiers: MedGen CN230736.
Hypercholesterolemia, autosomal dominant, 3 (FHCL3). Also called: Familial Hypercholesterolemia, Autosomal Dominant, 3; PCSK9-Related Familial Hypercholesterolemia, Autosomal Dominant; Familial hypercholesterolemia 3. Identifiers: MedGen C1863551, MONDO:0011369, OMIM 603776.

Allele frequency attached by ClinVar (database versions not stated): gnomAD 0.00001; gnomAD exomes 0.00002 and below 0.00001; TOPMed below 0.00001.

Submissions (5):

GeneDx
Classification: Uncertain significance. Last evaluated: 2026-03-23. Review status: criteria provided, single submitter. Criteria: GeneDx Variant Classification Process June 2021. Collection method: clinical testing. Allele origin: germline.
Comment: Not observed at significant frequency in large population cohorts (gnomAD); In silico analysis suggests that this missense variant does not alter protein structure/function; Has not been previously published as pathogenic or benign to our knowledge

All of Us Research Program, National Institutes of Health
Classification: Uncertain significance for Hypercholesterolemia, autosomal dominant, 3. Last evaluated: 2024-09-23. Review status: criteria provided, single submitter. Criteria: ACMG Guidelines, 2015. Collection method: clinical testing. Allele origin: germline. Inheritance: Autosomal dominant inheritance. Observed: 4 variant alleles, 4 heterozygotes.
Comment: This missense variant replaces alanine with threonine at codon 603 of the PCSK9 protein. Computational prediction suggests that this variant may not impact protein structure and function (internally defined REVEL score threshold <= 0.5, PMID: 27666373). To our knowledge, functional studies have not been reported for this variant. This variant has not been reported in individuals affected with familial hypercholesterolemia in the literature. This variant has been identified in 1/232072 chromosomes in the general population by the Genome Aggregation Database (gnomAD). The available evidence is insufficient to determine the role of this variant in disease conclusively. Therefore, this variant is classified as a Variant of Uncertain Significance.

This study involves interpretation of variants in research participants for the purpose of population health screening. Participant phenotype was not available at the time of variant classification. Additional details can be found in publication PMID: 35346344, PMCID: PMC8962531

Color Diagnostics, LLC DBA Color Health
Classification: Uncertain significance for Familial hypercholesterolemia. Last evaluated: 2024-03-07. Review status: criteria provided, single submitter. Criteria: ACMG Guidelines, 2015. Collection method: clinical testing. Allele origin: germline.
Comment: This missense variant replaces alanine with threonine at codon 603 of the PCSK9 protein. Computational prediction tools indicate that this variant has a neutral impact on protein structure and function. To our knowledge, functional studies have not been reported for this variant. This variant has not been reported in individuals affected with PCSK9-related disorders in the literature. This variant has been identified in 1/232072 chromosomes in the general population by the Genome Aggregation Database (gnomAD). The available evidence is insufficient to determine the role of this variant in disease conclusively. Therefore, this variant is classified as a Variant of Uncertain Significance.

Labcorp Genetics (formerly Invitae), Labcorp
Classification: Uncertain significance for Hypercholesterolemia, autosomal dominant, 3. Last evaluated: 2022-11-28. Review status: criteria provided, single submitter. Criteria: Invitae Variant Classification Sherloc (09022015). Collection method: clinical testing. Allele origin: germline.
Comment: In summary, the available evidence is currently insufficient to determine the role of this variant in disease. Therefore, it has been classified as a Variant of Uncertain Significance. Advanced modeling of protein sequence and biophysical properties (such as structural, functional, and spatial information, amino acid conservation, physicochemical variation, residue mobility, and thermodynamic stability) performed at Invitae indicates that this missense variant is not expected to disrupt PCSK9 protein function. ClinVar contains an entry for this variant (Variation ID: 1046553). This variant has not been reported in the literature in individuals affected with PCSK9-related conditions. The frequency data for this variant in the population databases is considered unreliable, as metrics indicate poor data quality at this position in the gnomAD database. This sequence change replaces alanine, which is neutral and non-polar, with threonine, which is neutral and polar, at codon 603 of the PCSK9 protein (p.Ala603Thr).

Ambry Genetics
Classification: Uncertain significance for Cardiovascular phenotype. Last evaluated: 2019-05-08. Review status: criteria provided, single submitter. Criteria: Ambry Variant Classification Scheme 2023. Collection method: clinical testing. Allele origin: germline.
Comment: The p.A603T variant (also known as c.1807G>A), located in coding exon 11 of the PCSK9 gene, results from a G to A substitution at nucleotide position 1807. The alanine at codon 603 is replaced by threonine, an amino acid with similar properties. This amino acid position is well conserved in available vertebrate species; however, threonine is the reference amino acid in other vertebrate species. In addition, this alteration is predicted to be tolerated by in silico analysis. Since supporting evidence is limited at this time, the clinical significance of this alteration remains unclear.